The following is an entry in ClinVar:

ClinVar aggregate classification (germline): Pathogenic (1 of 4 stars; one submission).

Conditions:
Short-rib thoracic dysplasia 8 with or without polydactyly (SRTD8). Also called: SHORT-RIB THORACIC DYSPLASIA 8 WITH POLYDACTYLY. Identifiers: Orphanet 93271, MedGen C3809691, MONDO:0014214, OMIM 615503.

Submission:

Labcorp Genetics (formerly Invitae), Labcorp
Classification: Pathogenic for Short-rib thoracic dysplasia 8 with or without polydactyly. Last evaluated: 2025-05-12. Review status: criteria provided, single submitter. Criteria: Invitae Variant Classification Sherloc (09022015). Collection method: clinical testing. Allele origin: germline.
Comment: This sequence change creates a premature translational stop signal (p.Asp224Alafs*94) in the WDR60 gene. It is expected to result in an absent or disrupted protein product. Loss-of-function variants in WDR60 are known to be pathogenic (PMID: 9068549, 23910462). This variant is present in population databases (rs751913477, gnomAD 0.006%). This variant has not been reported in the literature in individuals affected with WDR60-related conditions. For these reasons, this variant has been classified as Pathogenic.

Literature cited by the submitters: PubMed 9068549; PubMed 23910462.

NM_018051.5(DYNC2I1):c.671del (p.Asp224fs)

Gene: DYNC2I1 (dynein 2 intermediate chain 1; plus strand). Cytogenetic location: 7q36.3.
Variant type: Deletion.
Coding change: c.671del on transcript NM_018051.5 (MANE Select); coding-DNA position 671, one base deleted (A; older notation c.671delA).
Protein change: p.Asp224fs; shifts the reading frame from aspartic acid 224.
Molecular consequence: frameshift variant. On other transcripts: 5 prime UTR variant (3).
Genome position (GRCh38, 1-based): chr7:158,879,781, A deleted. VCF-style (leftmost placement, unchanged base first): chr7-158879780-GA-G. GRCh37 (hg19) VCF-style: chr7-158672471-GA-G.
Other names: c.533del, p.Asp178fs (NM_001350914.2); c.154del, p.Thr52fs (NM_001350915.2); c.-688del (NM_001350916.2); c.-696del (NM_001350917.2); c.-815del (NM_001350918.2); short protein forms D224fs, D178fs, T52fs.
Identifiers: ClinVar variation 4719425 (VCV004719425.1).
Genomic context (GRCh38, chr7:158,879,780, plus strand): 5'-TACTGGCTTTATAAAGAAGAAGGCGAGAGGAGACACAGGAAGCCCAGAGAGCCAGATCGA[GA>G]CAACAAACACCGAGAAAAAAGCAGCACAAGGGAAAAAAGAGAGAAATATTCCAAAGAGAA-3'